The following is an entry in ClinVar:

NM_012388.4(BLOC1S6):c.196A>G (p.Arg66Gly)

Gene: BLOC1S6 (biogenesis of lysosomal organelles complex 1 subunit 6; plus strand). Cytogenetic location: 15q21.1.
Variant type: single nucleotide variant.
Coding change: c.196A>G on transcript NM_012388.4 (MANE Select); coding-DNA position 196, A replaced by G.
Protein change: p.Arg66Gly; replaces arginine 66 with glycine.
Molecular consequence: missense variant. On other transcripts: non-coding transcript variant (5).
Genome position (GRCh38, 1-based): chr15:45,592,248, A>G. VCF-style: chr15-45592248-A-G. GRCh37 (hg19) VCF-style: chr15-45884446-A-G.
Other names: c.211A>G, p.Arg71Gly (NM_001311255.1, NM_001311256.1); short protein forms R66G, R71G.
Identifiers: ClinVar variation 654571 (VCV000654571.8), dbSNP rs1595552977, ClinGen allele CA392298963.

ClinVar aggregate classification (germline): Uncertain significance (1 of 4 stars; one submission).

Conditions:
Hermansky-Pudlak syndrome 9 (HPS9). Identifiers: Orphanet 280663, Orphanet 79430, MedGen C3280026, MONDO:0013606, OMIM 614171.

Submission:

Labcorp Genetics (formerly Invitae), Labcorp
Classification: Uncertain significance for Hermansky-Pudlak syndrome 9. Last evaluated: 2018-09-20. Review status: criteria provided, single submitter. Criteria: Invitae Variant Classification Sherloc (09022015). Collection method: clinical testing. Allele origin: germline.
Comment: This variant is not present in population databases (ExAC no frequency). In summary, the available evidence is currently insufficient to determine the role of this variant in disease. Therefore, it has been classified as a Variant of Uncertain Significance. Algorithms developed to predict the effect of missense changes on protein structure and function are either unavailable or do not agree on the potential impact of this missense change (SIFT: "Tolerated"; PolyPhen-2: "Possibly Damaging"; Align-GVGD: "Class C0"). This variant has not been reported in the literature in individuals with BLOC1S6-related disease. This sequence change replaces arginine with glycine at codon 66 of the BLOC1S6 protein (p.Arg66Gly). The arginine residue is moderately conserved and there is a moderate physicochemical difference between arginine and glycine.